The following is an entry in ClinVar:

ClinVar aggregate classification (germline): Uncertain significance (1 of 4 stars; one submission).

gnomAD v4.1: 1 of 1,613,554 alleles (0.000062%); highest among the groups gnomAD compares: Non-Finnish European, 0.000085%; no homozygotes.

Submission:

GeneDx
Classification: Uncertain significance. Last evaluated: 2025-01-15. Review status: criteria provided, single submitter. Criteria: GeneDx Variant Classification Process June 2021. Collection method: clinical testing. Allele origin: germline. Affected: yes.
Comment: Not observed at significant frequency in large population cohorts (gnomAD); In silico analysis supports that this missense variant has a deleterious effect on protein structure/function; Has not been previously published as pathogenic or benign to our knowledge

NM_020320.5(RARS2):c.326G>T (p.Gly109Val)

Gene: RARS2 (arginyl-tRNA synthetase 2, mitochondrial; minus strand). Cytogenetic location: 6q15.
Variant type: single nucleotide variant.
Coding change: c.326G>T on transcript NM_020320.5 (MANE Select); coding-DNA position 326, G replaced by T.
Protein change: p.Gly109Val; replaces glycine 109 with valine.
Molecular consequence: missense variant. On other transcripts: 5 prime UTR variant (7), non-coding transcript variant (23).
Genome position (GRCh38, 1-based): chr6:87,555,477, C>A on the plus strand (G>T on the coding strand, the complement: RARS2 is on the minus strand). VCF-style: chr6-87555477-C-A. GRCh37 (hg19) VCF-style: chr6-88265195-C-A.
Other names: c.-144G>T (NM_001318785.2, NM_001350509.2); c.326G>T, p.Gly109Val (NM_001350505.2); c.-200G>T (NM_001350506.2, NM_001350507.2, NM_001350510.2 and 1 more transcripts); c.-362G>T (NM_001350508.2); short protein forms G109V.
Identifiers: ClinVar variation 4070703 (VCV004070703.1).
Genomic context (GRCh38, chr6:87,555,477, plus strand): 5'-ACCACAATCTTCTTCTGGGGAAGTCCAGAGAAAAGTTCACTTTTTAATCCATATTTTGAG[C>A]CATCTTCAATTACTTGTTGTAGCACTGTCTGAAAATTAAAGGACTGTAATTTAATGAACA-3'
Protein context (NP_064716.2, residues 99-119): KTVLQQVIED[Gly109Val]SKYGLKSELF